The following is an entry in ClinVar:

ClinVar aggregate classification (germline): Uncertain significance (1 of 4 stars; one submission).

Submission:

Women's Health and Genetics/Laboratory Corporation of America, LabCorp
Classification: Uncertain significance. Last evaluated: 2026-03-18. Review status: criteria provided, single submitter. Criteria: LabCorp Variant Classification Summary - May 2015. Collection method: clinical testing. Allele origin: germline.
Comment: Variant summary: COL18A1 c.350C>T (p.Ala117Val) results in a non-conservative amino acid change located in the Thrombospondin-like, N-terminal domain (IPR048287) of the encoded protein sequence. Algorithms developed to predict the effect of missense changes on protein structure and function are either unavailable or do not agree on the potential impact of this missense change. The variant was absent in 249382 control chromosomes. The available data on variant occurrences in the general population are insufficient to allow any conclusion about variant significance. To our knowledge, no occurrence of c.350C>T in individuals affected with COL18A1-related conditions and no experimental evidence demonstrating its impact on protein function have been reported. No submitters have cited clinical-significance assessments for this variant to ClinVar. Based on the evidence outlined above, the variant was classified as uncertain significance.

NM_001379500.1(COL18A1):c.350C>T (p.Ala117Val)

Gene: COL18A1 (collagen type XVIII alpha 1 chain; plus strand). Cytogenetic location: 21q22.3.
Variant type: single nucleotide variant.
Coding change: c.350C>T on transcript NM_001379500.1 (MANE Select); coding-DNA position 350, C replaced by T.
Protein change: p.Ala117Val; replaces alanine 117 with valine.
Molecular consequence: missense variant.
Genome position (GRCh38, 1-based): chr21:45,468,485, C>T. VCF-style: chr21-45468485-C-T. GRCh37 (hg19) VCF-style: chr21-46888399-C-T.
Other names: c.890C>T, p.Ala297Val (NM_030582.4); c.1595C>T, p.Ala532Val (NM_130444.3); short protein forms A117V, A297V, A532V.
Identifiers: ClinVar variation 4847109 (VCV004847109.1).